The following is an entry in ClinVar:

ClinVar aggregate classification (germline): Uncertain significance (1 of 4 stars; one submission).

Conditions:
Inborn genetic diseases. Identifiers: MedGen C0950123, MeSH D030342.

Submission:

Ambry Genetics
Classification: Uncertain significance for Inborn genetic diseases. Last evaluated: 2025-11-17. Review status: criteria provided, single submitter. Criteria: Ambry Variant Classification Scheme 2023. Collection method: clinical testing. Allele origin: germline.
Comment: The c.2786T>A (p.L929H) alteration is located in exon 15 (coding exon 15) of the SCN1A gene. This alteration results from a T to A substitution at nucleotide position 2786, causing the leucine (L) at amino acid position 929 to be replaced by a histidine (H). This variant was not reported in population-based cohorts in the Genome Aggregation Database (gnomAD). This amino acid position is highly conserved in available vertebrate species. This missense alteration is located in a region that has a low rate of benign missense variation (Lek, 2016; Firth, 2009). This alteration is predicted to be deleterious by in silico analysis. Based on insufficient or conflicting evidence, the clinical significance of this alteration remains unclear.

NM_001165963.4(SCN1A):c.2786T>A (p.Leu929His)

Gene: SCN1A (sodium voltage-gated channel alpha subunit 1; minus strand). Cytogenetic location: 2q24.3.
Variant type: single nucleotide variant.
Coding change: c.2786T>A on transcript NM_001165963.4 (MANE Select); coding-DNA position 2786, T replaced by A.
Protein change: p.Leu929His; replaces leucine 929 with histidine.
Molecular consequence: missense variant. On other transcripts: non-coding transcript variant (1).
Genome position (GRCh38, 1-based): chr2:166,037,936, A>T on the plus strand (T>A on the coding strand, the complement: SCN1A is on the minus strand). VCF-style: chr2-166037936-A-T. GRCh37 (hg19) VCF-style: chr2-166894446-A-T.
Other names: c.2702T>A, p.Leu901His (NM_001165964.3, NM_001353957.2, NM_001353958.2); c.2786T>A, p.Leu929His (NM_001202435.3, NM_001353948.2); c.2753T>A, p.Leu918His (NM_001353949.2, NM_001353950.2, NM_001353951.2 and 2 more transcripts); c.2750T>A, p.Leu917His (NM_001353954.2, NM_001353955.2); c.2699T>A, p.Leu900His (NM_001353960.2); c.344T>A, p.Leu115His (NM_001353961.2); short protein forms L115H, L929H, L900H, L901H, L918H, L917H.
Identifiers: ClinVar variation 4630312 (VCV004630312.1).